The following is an entry in ClinVar:

NM_014956.5(CEP164):c.3881T>C (p.Leu1294Pro)

Gene: CEP164 (centrosomal protein 164; plus strand). Cytogenetic location: 11q23.3.
Variant type: single nucleotide variant.
Coding change: c.3881T>C on transcript NM_014956.5 (MANE Select); coding-DNA position 3881, T replaced by C.
Protein change: p.Leu1294Pro; replaces leucine 1294 with proline.
Molecular consequence: missense variant.
Genome position (GRCh38, 1-based): chr11:117,409,750, T>C. VCF-style: chr11-117409750-T-C. GRCh37 (hg19) VCF-style: chr11-117280466-T-C.
Other names: c.3866T>C, p.Leu1289Pro (NM_001271933.2); short protein forms L1289P, L1294P.
Identifiers: ClinVar variation 3490562 (VCV003490562.3).

ClinVar aggregate classification (germline): Uncertain significance. Review status: criteria provided, multiple submitters, no conflicts (2 of 4 stars). 3 submissions from 3 submitters: Uncertain significance (3). Last evaluated 2025-12-26.

Conditions:
Nephronophthisis 15 (NPHP15). Identifiers: Orphanet 3156, MedGen C3541853, MONDO:0013917, OMIM 614845.
Inborn genetic diseases. Identifiers: MedGen C0950123, MeSH D030342.
CEP164-related disorder. Also called: CEP164-related condition.

gnomAD v4.1: 1 of 1,614,002 alleles (0.000062%); highest among the groups gnomAD compares: African/African-American, 0.0013%; no homozygotes.

Submissions (3):

PreventionGenetics, part of Exact Sciences
Classification: Uncertain significance for CEP164-related condition. Last evaluated: 2025-12-26. Review status: criteria provided, single submitter. Criteria: ACMG Guidelines, 2015. Collection method: clinical testing. Allele origin: germline.
Comment: The CEP164 c.3881T>C variant is predicted to result in the amino acid substitution p.Leu1294Pro. To our knowledge, this variant has not been reported in the literature or in a large population database (gnomAD), indicating this variant is rare. At this time, the clinical significance of this variant is uncertain due to the absence of conclusive functional and genetic evidence.

Ambry Genetics
Classification: Uncertain significance for Inborn genetic diseases. Last evaluated: 2024-07-17. Review status: criteria provided, single submitter. Criteria: Ambry Variant Classification Scheme 2023. Collection method: clinical testing. Allele origin: germline.

Fulgent Genetics
Classification: Uncertain significance for Nephronophthisis 15. Last evaluated: 2024-05-23. Review status: criteria provided, single submitter. Criteria: ACMG Guidelines, 2015. Collection method: clinical testing. Allele origin: germline.